The following is an entry in ClinVar:

NM_022455.5(NSD1):c.4365del (p.Asp1456fs)

Gene: NSD1 (nuclear receptor binding SET domain protein 1; plus strand). Cytogenetic location: 5q35.3.
Variant type: Deletion.
Coding change: c.4365del on transcript NM_022455.5 (MANE Select); coding-DNA position 4365, one base deleted (A; older notation c.4365delA).
Protein change: p.Asp1456fs; shifts the reading frame from aspartic acid 1456.
Molecular consequence: frameshift variant.
Genome position (GRCh38, 1-based): chr5:177,244,257, A deleted; the last of 4 consecutive A bases (chr5:177,244,254-177,244,257); deleting any one gives the same sequence. VCF-style (leftmost placement, unchanged base first): chr5-177244253-CA-C. GRCh37 (hg19) VCF-style: chr5-176671254-CA-C.
Other names: c.3492delA, p.Asp1165Ilefs (NM_001365684.2, NM_001409306.1, NM_001409307.1 and 3 more transcripts); c.4365delA, p.Asp1456Ilefs (NM_001409301.1, NM_001409302.1, NM_001409303.1); c.3945delA, p.Asp1316Ilefs (NM_001409304.1); c.3612delA, p.Asp1205Ilefs (NM_001409305.1); short protein forms D1187fs, D1456fs.
Identifiers: ClinVar variation 1709691 (VCV001709691.3), dbSNP rs2480614730, ClinGen allele CA2580074064.

ClinVar aggregate classification (germline): Pathogenic (1 of 4 stars; one submission).

Conditions:
Sotos syndrome (SOTOS). Also called: Sotos' syndrome; Distinctive facial appearance, overgrowth in childhood, and learning disabilities or delayed development; CHROMOSOME 5q35 DELETION SYNDROME; CEREBRAL GIGANTISM; SOTOS SYNDROME 1. Identifiers: Orphanet 821, MedGen C0175695, MONDO:0019349, OMIM 117550.

Submission:

MGZ Medical Genetics Center
Classification: Pathogenic for Sotos syndrome. Last evaluated: 2022-07-28. Review status: criteria provided, single submitter. Criteria: ACMG Guidelines, 2015. Collection method: clinical testing. Allele origin: germline. Affected: yes. Observed: 1 variant allele.
Comment: ACMG criteria applied: PVS1, PS2, PM2_SUP